The following is an entry in ClinVar:

NM_003091.4(SNRPB):c.560-3C>T

Gene: SNRPB (small nuclear ribonucleoprotein polypeptides B and B1; minus strand). Cytogenetic location: 20p13.
Variant type: single nucleotide variant.
Coding change: c.560-3C>T on transcript NM_003091.4 (MANE Select); 3 bases into the intron before coding-DNA position 560, C replaced by T.
Molecular consequence: intron variant.
Genome position (GRCh38, 1-based): chr20:2,462,764, G>A on the plus strand (C>T on the coding strand, the complement: SNRPB is on the minus strand). VCF-style: chr20-2462764-G-A. GRCh37 (hg19) VCF-style: chr20-2443410-G-A.
Other names: c.560-3C>T (NM_198216.2).
Identifiers: ClinVar variation 2417937 (VCV002417937.6), dbSNP rs746020338, ClinGen allele CA9732394.

ClinVar aggregate classification (germline): Uncertain significance (1 of 4 stars; one submission).

Allele frequency attached by ClinVar (database versions not stated): gnomAD exomes 0.00001; TOPMed 0.00001; ExAC 0.00002; gnomAD 0.00002.
gnomAD v4.1: 12 of 1,528,810 alleles (0.00078%); highest among the groups gnomAD compares: African/African-American, 0.0042%; no homozygotes.

Submissions (3):

Labcorp Genetics (formerly Invitae), Labcorp
Classification: Uncertain significance. Last evaluated: 2024-01-25. Review status: criteria provided, single submitter. Criteria: Invitae Variant Classification Sherloc (09022015). Collection method: clinical testing. Allele origin: germline.
Comment: This sequence change falls in intron 5 of the SNRPB gene. It does not directly change the encoded amino acid sequence of the SNRPB protein. It affects a nucleotide within the consensus splice site. This variant is present in population databases (rs746020338, gnomAD 0.009%). This variant has not been reported in the literature in individuals affected with SNRPB-related conditions. ClinVar contains an entry for this variant (Variation ID: 2417937). Variants that disrupt the consensus splice site are a relatively common cause of aberrant splicing (PMID: 17576681, 9536098). Algorithms developed to predict the effect of sequence changes on RNA splicing suggest that this variant is not likely to affect RNA splicing. In summary, the available evidence is currently insufficient to determine the role of this variant in disease. Therefore, it has been classified as a Variant of Uncertain Significance.

Dr. Peter K. Rogan Lab, Western University
No classification provided (evidence only). Condition: Clear cell carcinoma of kidney. Review status: no classification provided. Collection method: in vitro. Allele origin: not applicable. Functional consequence: retained intron. Not counted in ClinVar's aggregate classification.

Dr. Peter K. Rogan Lab, Western University
No classification provided (evidence only). Condition: Uterine corpus endometrial carcinoma. Review status: no classification provided. Collection method: in vitro. Allele origin: not applicable. Functional consequence: retained intron. Not counted in ClinVar's aggregate classification.

Literature cited by the submitters: PubMed 17576681 (cited by Labcorp Genetics (formerly Invitae), Labcorp); PubMed 9536098 (cited by Labcorp Genetics (formerly Invitae), Labcorp).